The following is an entry in ClinVar:

NM_001754.5(RUNX1):c.219C>G (p.Ser73Arg)

Gene: RUNX1 (RUNX family transcription factor 1; minus strand). Cytogenetic location: 21q22.12.
Variant type: single nucleotide variant.
Coding change: c.219C>G on transcript NM_001754.5 (MANE Select); coding-DNA position 219, C replaced by G.
Protein change: p.Ser73Arg; replaces serine 73 with arginine.
Molecular consequence: missense variant.
Genome position (GRCh38, 1-based): chr21:34,886,975, G>C on the plus strand (C>G on the coding strand, the complement: RUNX1 is on the minus strand). VCF-style: chr21-34886975-G-C. GRCh37 (hg19) VCF-style: chr21-36259272-G-C.
Other names: NM_001754.5(RUNX1):c.219C>G; p.Ser73Arg; c.138C>G, p.Ser46Arg (NM_001001890.3, NM_001122607.2); c.219C>G (NM_001754.4); short protein forms S73R, S46R.
Identifiers: ClinVar variation 1037898 (VCV001037898.10), dbSNP rs1157495777, ClinGen allele CA410203871.

ClinVar aggregate classification (germline): Uncertain significance. Review status: reviewed by expert panel (3 of 4 stars). 3 submissions from 3 submitters: Uncertain significance (1). 2 of the submissions do not count toward it. Last evaluated 2024-11-13.

Conditions:
Hereditary thrombocytopenia and hematologic cancer predisposition syndrome. Identifiers: Orphanet 71290, MedGen CN281654, MONDO:0011071.
Inborn genetic diseases. Identifiers: MedGen C0950123, MeSH D030342.
Hereditary thrombocytopenia and hematological cancer predisposition syndrome associated with RUNX1. Also called: PLATELET DISORDER, ASPIRIN-LIKE; Familial Platelet Disorder with Propensity to Acute Myelogenous Leukemia; Familial thrombocytopenia with propensity to acute myelogenous leukemia; RUNX1 Familial Platelet Disorder with Associated Myeloid Malignancies. Identifiers: Orphanet 71290, MedGen C1832388, MeSH C563324, MONDO:0100083, OMIM 601399.

gnomAD v4.1: 2 of 1,609,404 alleles (0.00012%); highest among the groups gnomAD compares: Non-Finnish European, 0.00017%; no homozygotes.

Submissions (3):

ClinGen Myeloid Malignancy Variant Curation Expert Panel
Classification: Uncertain significance for Hereditary thrombocytopenia and hematologic cancer predisposition syndrome. Last evaluated: 2024-11-13. Review status: reviewed by expert panel. Criteria: ClinGen MyeloMalig ACMG Specifications v2. Collection method: curation. Allele origin: germline. Inheritance: Autosomal dominant inheritance.
Comment: NM_001754.5(RUNX1):c.219C>G (p.Ser73Arg) is a missense variant which has a REVEL score < 0.50 (0.411) and a SpliceAI score ≤ 0.20 (0.03) (BP4). In summary, the clinical significance of this variant is uncertain. ACMG/AMP criteria applied, as specified by the Myeloid Malignancy Variant Curation Expert Panel for RUNX1: BP4.

Ambry Genetics
Classification: Uncertain significance for Inborn genetic diseases. Last evaluated: 2025-06-07. Review status: criteria provided, single submitter. Criteria: Ambry Variant Classification Scheme 2023. Collection method: clinical testing. Allele origin: germline. Not counted in ClinVar's aggregate classification.
Comment: The p.S73R variant (also known as c.219C>G), located in coding exon 3 of the RUNX1 gene, results from a C to G substitution at nucleotide position 219. The serine at codon 73 is replaced by arginine, an amino acid with dissimilar properties. This amino acid position is conserved. In addition, the in silico prediction for this alteration is inconclusive. Based on the available evidence, the clinical significance of this variant remains unclear.

Labcorp Genetics (formerly Invitae), Labcorp
Classification: Uncertain significance for Hereditary thrombocytopenia and hematological cancer predisposition syndrome associated with RUNX1. Last evaluated: 2024-07-19. Review status: criteria provided, single submitter. Criteria: Invitae Variant Classification Sherloc (09022015). Collection method: clinical testing. Allele origin: germline. Not counted in ClinVar's aggregate classification.
Comment: This sequence change replaces serine, which is neutral and polar, with arginine, which is basic and polar, at codon 73 of the RUNX1 protein (p.Ser73Arg). This variant is not present in population databases (gnomAD no frequency). This variant has not been reported in the literature in individuals affected with RUNX1-related conditions. ClinVar contains an entry for this variant (Variation ID: 1037898). Advanced modeling of protein sequence and biophysical properties (such as structural, functional, and spatial information, amino acid conservation, physicochemical variation, residue mobility, and thermodynamic stability) performed at Invitae indicates that this missense variant is not expected to disrupt RUNX1 protein function with a negative predictive value of 80%. In summary, the available evidence is currently insufficient to determine the role of this variant in disease. Therefore, it has been classified as a Variant of Uncertain Significance.